The following is an entry in ClinVar:

NM_001166108.2(PALLD):c.2867C>T (p.Thr956Ile)

Genes: CBR4 (carbonyl reductase 4; minus strand), PALLD (palladin, cytoskeletal associated protein; plus strand). Cytogenetic location: 4q32.3.
Variant type: single nucleotide variant.
Coding change: c.2867C>T on transcript NM_001166108.2 (MANE Select); coding-DNA position 2867, C replaced by T.
Protein change: p.Thr956Ile; replaces threonine 956 with isoleucine.
Molecular consequence: missense variant.
Genome position (GRCh38, 1-based): chr4:168,921,550, C>T. VCF-style: chr4-168921550-C-T. GRCh37 (hg19) VCF-style: chr4-169842701-C-T.
Other names: c.1670C>T, p.Thr557Ile (NM_001166109.2); c.1355C>T, p.Thr452Ile (NM_001166110.2); c.695C>T, p.Thr232Ile (NM_001367567.1, NM_001367569.1); c.746C>T, p.Thr249Ile (NM_001367568.1, NM_001367570.1); c.2816C>T, p.Thr939Ile (NM_016081.4); short protein forms T557I, T956I, T452I, T232I, T939I, T249I.
Identifiers: ClinVar variation 902156 (VCV000902156.13), dbSNP rs371498362, ClinGen allele CA3135982.

ClinVar aggregate classification (germline): Conflicting classifications of pathogenicity. Review status: criteria provided, conflicting classifications (1 of 4 stars). 5 submissions from 5 submitters: Uncertain significance (4); Likely benign (1). Last evaluated 2025-02-12.

Conditions:
Pancreatic cancer, susceptibility to, 1. Identifiers: Orphanet 1333, MedGen C1847351, MONDO:0011739, OMIM 606856.
Pancreatic adenocarcinoma. Identifiers: MedGen C0281361, MONDO:0006047, HP:0006725.

Allele frequency attached by ClinVar (database versions not stated): TOPMed below 0.00001; gnomAD 0.00001; gnomAD exomes 0.00001 and 0.00003; ExAC 0.00006; ESP Exome Variant Server 0.00008.
gnomAD v4.1: 40 of 1,605,346 alleles (0.0025%); highest among the groups gnomAD compares: Non-Finnish European, 0.0034%; no homozygotes.

Submissions (5):

Ambry Genetics
Classification: Uncertain significance. Last evaluated: 2025-02-12. Review status: criteria provided, single submitter. Criteria: Ambry Variant Classification Scheme 2023. Collection method: clinical testing. Allele origin: germline.
Comment: The p.T452I variant (also known as c.1355C>T), located in coding exon 8 of the PALLD gene, results from a C to T substitution at nucleotide position 1355. The threonine at codon 452 is replaced by isoleucine, an amino acid with similar properties. This amino acid position is highly conserved in available vertebrate species. In addition, the in silico prediction for this alteration is inconclusive. The evidence for this gene-disease relationship is limited; therefore, the clinical significance of this alteration is unclear.

Fulgent Genetics
Classification: Uncertain significance for Pancreatic cancer, susceptibility to, 1. Last evaluated: 2024-03-21. Review status: criteria provided, single submitter. Criteria: ACMG Guidelines, 2015. Collection method: clinical testing. Allele origin: germline.

Labcorp Genetics (formerly Invitae), Labcorp
Classification: Uncertain significance for Pancreatic adenocarcinoma. Last evaluated: 2024-02-29. Review status: criteria provided, single submitter. Criteria: Invitae Variant Classification Sherloc (09022015). Collection method: clinical testing. Allele origin: germline.
Comment: This sequence change replaces threonine, which is neutral and polar, with isoleucine, which is neutral and non-polar, at codon 452 of the PALLD protein (p.Thr452Ile). This variant is present in population databases (rs371498362, gnomAD 0.003%). This variant has not been reported in the literature in individuals affected with PALLD-related conditions. ClinVar contains an entry for this variant (Variation ID: 902156). An algorithm developed to predict the effect of missense changes on protein structure and function (PolyPhen-2) suggests that this variant is likely to be tolerated. In summary, the available evidence is currently insufficient to determine the role of this variant in disease. Therefore, it has been classified as a Variant of Uncertain Significance.

Department of Pathology and Laboratory Medicine, Sinai Health System
Classification: Uncertain significance for Pancreatic cancer, susceptibility to, 1. Last evaluated: 2021-07-30. Review status: criteria provided, single submitter. Criteria: ACMG Guidelines, 2015. Collection method: research. Allele origin: germline.

Illumina Laboratory Services, Illumina
Classification: Likely benign for Pancreatic cancer, susceptibility to, 1. Last evaluated: 2018-01-12. Review status: criteria provided, single submitter. Criteria: ICSL Variant Classification Criteria 13 December 2019. Collection method: clinical testing. Allele origin: germline.
Comment: This variant was observed in the ICSL laboratory as part of a predisposition screen in an ostensibly healthy population. It had not been previously curated by ICSL or reported in the Human Gene Mutation Database (HGMD: prior to June 1st, 2018), and was therefore a candidate for classification through an automated scoring system. Utilizing variant allele frequency, disease prevalence and penetrance estimates, and inheritance mode, an automated score was calculated to assess if this variant is too frequent to cause the disease. Based on the score and internal cut-off values, a variant classified as likely benign is not then subjected to further curation. The score for this variant resulted in a classification of likely benign for this disease.